The following is an entry in ClinVar:

ClinVar aggregate classification (germline): Uncertain significance (1 of 4 stars; one submission).

Submission:

Dasa
Classification: Uncertain significance. Last evaluated: 2025-12-19. Review status: criteria provided, single submitter. Criteria: DASA Assertion Criteria. Collection method: clinical testing. Allele origin: germline.
Comment: NM_032195.3(SON):c.6689G>A (p.Arg2230Gln) is a missense variant that results in the substitution of arginine with glutamine. This variant is rare in population databases. The currently available literature and clinical evidence are not sufficient to establish a definitive association between this variant and the reported condition. Therefore, this variant is classified as a variant of uncertain significance.

NM_138927.4(SON):c.6657+133G>A

Gene: SON (SON DNA and RNA binding protein; plus strand). Cytogenetic location: 21q22.11.
Variant type: single nucleotide variant.
Coding change: c.6657+133G>A on transcript NM_138927.4 (MANE Select); 133 bases into the intron after coding-DNA position 6657, G replaced by A.
Molecular consequence: intron variant. On other transcripts: missense variant (1).
Genome position (GRCh38, 1-based): chr21:33,559,908, G>A. VCF-style: chr21-33559908-G-A. GRCh37 (hg19) VCF-style: chr21-34932214-G-A.
Other names: c.6689G>A, p.Arg2230Gln (NM_032195.3); c.741+133G>A (NM_001291412.3); short protein forms R2230Q.
Identifiers: ClinVar variation 4886199 (VCV004886199.2).